The following is an entry in ClinVar:

ClinVar aggregate classification (germline): Pathogenic/Likely pathogenic. Review status: criteria provided, multiple submitters, no conflicts (2 of 4 stars). 2 submissions from 2 submitters: Pathogenic (1); Likely pathogenic (1). Last evaluated 2025-06-03.

Conditions:
Galactosylceramide beta-galactosidase deficiency. Also called: GALACTOCEREBROSIDASE DEFICIENCY; GALC DEFICIENCY; GLOBOID CELL LEUKOENCEPHALOPATHY; Krabbe Disease; Leukodystrophy, Globoid Cell. Identifiers: Orphanet 487, MedGen C0023521, MONDO:0009499, OMIM 245200.

Submissions (2):

Natera, Inc.
Classification: Likely pathogenic for Galactosylceramide beta-galactosidase deficiency. Last evaluated: 2025-06-03. Review status: criteria provided, single submitter. Criteria: Natera Variant Classification Schema (03/2026). Collection method: clinical testing. Allele origin: germline.
Comment: The c.1853del variant in GALC is a frameshift variant predicted to shift the reading frame beginning at codon 618 and leads to a stop codon 2 codons downstream. This variant is expected to result in nonsense mediated decay, truncation, or a dysfunctional protein product. This variant is rare in the general population with a frequency below the threshold expected for the associated phenotype(s). Given the available evidence, this variant is classified as Likely Pathogenic.

Labcorp Genetics (formerly Invitae), Labcorp
Classification: Pathogenic for Galactosylceramide beta-galactosidase deficiency. Last evaluated: 2021-08-27. Review status: criteria provided, single submitter. Criteria: Invitae Variant Classification Sherloc (09022015). Collection method: clinical testing. Allele origin: germline.
Comment: For these reasons, this variant has been classified as Pathogenic. This variant has not been reported in the literature in individuals affected with GALC-related conditions. This sequence change creates a premature translational stop signal (p.Ala618Valfs*2) in the GALC gene. It is expected to result in an absent or disrupted protein product. Loss-of-function variants in GALC are known to be pathogenic (PMID: 7437911, 9272171, 16607461). This variant is not present in population databases (ExAC no frequency).

Literature cited by the submitters: PubMed 7437911 (cited by Labcorp Genetics (formerly Invitae), Labcorp); PubMed 9272171 (cited by Labcorp Genetics (formerly Invitae), Labcorp); PubMed 16607461 (cited by Labcorp Genetics (formerly Invitae), Labcorp).

NM_000153.4(GALC):c.1853del (p.Ala618fs)

Gene: GALC (galactosylceramidase; minus strand). Cytogenetic location: 14q31.3.
Variant type: Deletion.
Coding change: c.1853del on transcript NM_000153.4 (MANE Select); coding-DNA position 1853, one base deleted (C; older notation c.1853delC).
Protein change: p.Ala618fs; shifts the reading frame from alanine 618.
Molecular consequence: frameshift variant.
Genome position (GRCh38, 1-based): chr14:87,939,963, G deleted on the plus strand (C on the coding strand, the reverse complement: GALC is on the minus strand). VCF-style (leftmost placement, unchanged base first): chr14-87939962-AG-A. GRCh37 (hg19) VCF-style: chr14-88406306-AG-A.
Other names: c.1784del, p.Ala595fs (NM_001201401.2); c.1775del, p.Ala592fs (NM_001201402.2); c.1853del (NM_000153.3); short protein forms A595fs, A592fs, A618fs.
Identifiers: ClinVar variation 1458643 (VCV001458643.7), dbSNP rs2139937977, ClinGen allele CA2573150288.